The following is an entry in ClinVar:

NM_000369.5(TSHR):c.1580T>C (p.Met527Thr)

Genes: TSHR (thyroid stimulating hormone receptor; plus strand), TSHR-AS1 (TSHR antisense RNA 1; minus strand). Cytogenetic location: 14q31.1.
Variant type: single nucleotide variant.
Coding change: c.1580T>C on transcript NM_000369.5 (MANE Select); coding-DNA position 1580, T replaced by C.
Protein change: p.Met527Thr; replaces methionine 527 with threonine.
Molecular consequence: missense variant.
Genome position (GRCh38, 1-based): chr14:81,143,638, T>C. VCF-style: chr14-81143638-T-C. GRCh37 (hg19) VCF-style: chr14-81609982-T-C.
Other names: short protein forms M527T.
Identifiers: ClinVar variation 3902189 (VCV003902189.1).

ClinVar aggregate classification (germline): Uncertain significance (1 of 4 stars; one submission).

gnomAD v4.1: 2 of 1,614,128 alleles (0.00012%); highest among the groups gnomAD compares: South Asian, 0.0011%; no homozygotes.

Submission:

Women's Health and Genetics/Laboratory Corporation of America, LabCorp
Classification: Uncertain significance. Last evaluated: 2025-05-15. Review status: criteria provided, single submitter. Criteria: LabCorp Variant Classification Summary - May 2015. Collection method: clinical testing. Allele origin: germline.
Comment: Variant summary: TSHR c.1580T>C (p.Met527Thr) results in a non-conservative amino acid change in the encoded protein sequence. Algorithms developed to predict the effect of missense changes on protein structure and function are either unavailable or do not agree on the potential impact of this missense change. The variant allele was found at a frequency of 8e-06 in 251348 control chromosomes. c.1580T>C has been observed in heterozygous individual(s) affected with non-autoimmune subclinical hypothyroidism (examples: Camilot_2005, DeMarco_2009, Nicoletti_2009). At least one publication reports experimental evidence evaluating an impact on protein function. The most pronounced variant effect results in lower cAMP response to bovine TSH stimulation, lower TSH binding capacity and less-expression at the cell surface (DeMarco_2009). The following publications have been ascertained in the context of this evaluation (PMID: 6060907, 19820021, 18727713). No submitters have cited clinical-significance assessments for this variant to ClinVar. Based on the evidence outlined above, the variant was classified as VUS-possibly pathogenic.

Literature cited by the submitters: PubMed 18727713; PubMed 19820021; PubMed 6060907.